The following is an entry in ClinVar:

ClinVar aggregate classification (germline): Likely pathogenic (1 of 4 stars; one submission).

Submission:

GeneDx
Classification: Likely pathogenic. Last evaluated: 2019-01-16. Review status: criteria provided, single submitter. Criteria: GeneDx Variant Classification (06012015). Collection method: clinical testing. Allele origin: germline. Affected: yes.
Comment: A variant that is likely pathogenic has been identified in the ACTA1 gene. The c.306delG variant has not been published as a pathogenic variant, nor has it been reported as a benign variant to our knowledge. The c.306delG causes a frameshift starting with codon Glutamic acid 102, changes this amino acid to an Aspartic acid residue and creates a premature Stop codon at position 20 of the new reading frame, denoted p.Glu102AspfsX20. This variant is predicted to cause loss of normal protein function either through protein truncation or nonsense-mediated mRNA decay. The c.306delG variant is not observed in large population cohorts (Lek et al., 2016). Therefore, this variant is likely pathogenic; however, the possibility that it is benign cannot be excluded.

NM_001100.4(ACTA1):c.306del (p.Glu102fs)

Gene: ACTA1 (actin alpha 1, skeletal muscle; minus strand). Cytogenetic location: 1q42.13.
Variant type: Deletion.
Coding change: c.306del on transcript NM_001100.4 (MANE Select); coding-DNA position 306, one base deleted (G; older notation c.306delG).
Protein change: p.Glu102fs; shifts the reading frame from glutamic acid 102.
Molecular consequence: frameshift variant.
Genome position (GRCh38, 1-based): chr1:229,432,704, C deleted on the plus strand (G on the coding strand, the reverse complement: ACTA1 is on the minus strand). VCF-style (leftmost placement, unchanged base first): chr1-229432703-GC-G. GRCh37 (hg19) VCF-style: chr1-229568450-GC-G.
Other names: short protein forms E102fs.
Identifiers: ClinVar variation 817397 (VCV000817397.1), dbSNP rs1571893783, ClinGen allele CA915942046.